The following is an entry in ClinVar:

NM_001077365.2(POMT1):c.1063A>G (p.Ile355Val)

Gene: POMT1 (protein O-mannosyltransferase 1; plus strand). Cytogenetic location: 9q34.13.
Variant type: single nucleotide variant.
Coding change: c.1063A>G on transcript NM_001077365.2 (MANE Select); coding-DNA position 1063, A replaced by G.
Protein change: p.Ile355Val; replaces isoleucine 355 with valine.
Molecular consequence: missense variant. On other transcripts: non-coding transcript variant (10), intron variant (1).
Genome position (GRCh38, 1-based): chr9:131,512,117, A>G. VCF-style: chr9-131512117-A-G. GRCh37 (hg19) VCF-style: chr9-134387504-A-G.
Other names: c.901A>G, p.Ile301Val (NM_001077366.2, NM_001353194.2); c.1063A>G, p.Ile355Val (NM_001136113.2, NM_001374690.1); c.712A>G, p.Ile238Val (NM_001136114.2, NM_001353195.2, NM_001374691.1 and 1 more transcripts); c.1129A>G, p.Ile377Val (NM_001353193.2, NM_007171.4); c.973A>G, p.Ile325Val (NM_001353196.2); c.967A>G, p.Ile323Val (NM_001353197.2, NM_001353198.2); c.824+650A>G (NM_001374693.1); c.778A>G, p.Ile260Val (NM_001353199.2); and 3 more; short protein forms I323V, I355V, I377V, I203V, I325V, I351V, I238V, I260V.
Identifiers: ClinVar variation 1421102 (VCV001421102.7), dbSNP rs749853448, ClinGen allele CA5293507.
Genomic context (GRCh38, chr9:131,512,117, plus strand): 5'-GGCAGCTCCCACCAGCAACAGGTGACCTGTTACCCCTTCAAAGATGTCAATAACTGGTGG[A>G]TTGTAAAGGATCCCAGGAGGTGAGTGCAGGTCCTGTGACTCCAGAGCAGAGCTCACCTCC-3'
Protein context (NP_001070833.1, residues 345-365): YPFKDVNNWW[Ile355Val]VKDPRRHQLV

ClinVar aggregate classification (germline): Uncertain significance (1 of 4 stars; one submission).

Conditions:
Walker-Warburg congenital muscular dystrophy. Also called: Muscular dystrophy-dystroglycanopathy, type A; Walker-Warburg syndrome. Identifiers: Orphanet 899, MedGen C0265221, MONDO:0000171.
Autosomal recessive limb-girdle muscular dystrophy type 2K. Also called: MUSCULAR DYSTROPHY, LIMB-GIRDLE, TYPE 2K; MUSCULAR DYSTROPHY-DYSTROGLYCANOPATHY (LIMB-GIRDLE), TYPE C, 1. Identifiers: Orphanet 86812, MedGen C1836373, MONDO:0012248, OMIM 609308.
Muscular dystrophy-dystroglycanopathy (congenital with impaired intellectual development), type B, 1. Also called: MUSCULAR DYSTROPHY, CONGENITAL, POMT1-RELATED; Muscular dystrophy-dystroglycanopathy (congenital with intellectual disability), type B1. Identifiers: MedGen C5436962, MONDO:0013159, OMIM 613155.

Allele frequency attached by ClinVar (database versions not stated): gnomAD exomes 0.00001; ExAC 0.00001.
gnomAD v4.1: 8 of 1,614,034 alleles (0.0005%); highest among the groups gnomAD compares: Non-Finnish European, 0.00068%; no homozygotes.

Submission:

Labcorp Genetics (formerly Invitae), Labcorp
Classification: Uncertain significance for Muscular dystrophy-dystroglycanopathy (congenital with impaired intellectual development), type B, 1; Walker-Warburg congenital muscular dystrophy; Autosomal recessive limb-girdle muscular dystrophy type 2K. Last evaluated: 2024-10-30. Review status: criteria provided, single submitter. Criteria: Invitae Variant Classification Sherloc (09022015). Collection method: clinical testing. Allele origin: germline.
Comment: This sequence change replaces isoleucine, which is neutral and non-polar, with valine, which is neutral and non-polar, at codon 377 of the POMT1 protein (p.Ile377Val). This variant is present in population databases (rs749853448, gnomAD 0.002%). This variant has not been reported in the literature in individuals affected with POMT1-related conditions. ClinVar contains an entry for this variant (Variation ID: 1421102). Invitae Evidence Modeling of protein sequence and biophysical properties (such as structural, functional, and spatial information, amino acid conservation, physicochemical variation, residue mobility, and thermodynamic stability) indicates that this missense variant is not expected to disrupt POMT1 protein function with a negative predictive value of 95%. Algorithms developed to predict the effect of sequence changes on RNA splicing suggest that this variant may disrupt the consensus splice site. In summary, the available evidence is currently insufficient to determine the role of this variant in disease. Therefore, it has been classified as a Variant of Uncertain Significance.